The following is an entry in ClinVar:

ClinVar aggregate classification (germline): Pathogenic/Likely pathogenic. Review status: criteria provided, multiple submitters, no conflicts (2 of 4 stars). 9 submissions from 9 submitters: Pathogenic (6); Likely pathogenic (2). 1 of the submissions does not count toward it. Last evaluated 2026-04-13.

Conditions:
Cardiovascular phenotype. Identifiers: MedGen CN230736.
MYBPC3-related disorder. Also called: MYBPC3-related disorders; MYBPC3-related condition; MYBPC3-related disease.
Hypertrophic cardiomyopathy 4. Also called: Familial hypertrophic cardiomyopathy 4. Identifiers: MedGen C1861862, MONDO:0007268, OMIM 115197.
Left ventricular noncompaction 10 (LVNC10). Identifiers: Orphanet 154, Orphanet 54260, MedGen C3715165, MONDO:0014163, OMIM 615396.
Cardiomyopathy (CMYO). Also called: Cardiomyopathies. Identifiers: Orphanet 167848, MedGen C0878544, MONDO:0004994, HP:0001638. Inheritance: Various modes of inheritance.
Hypertrophic cardiomyopathy. Also called: HYPERTROPHIC MYOCARDIOPATHY. Identifiers: Orphanet 217569, MedGen C0007194, MeSH D002312, MONDO:0005045, HP:0001639.

Allele frequency attached by ClinVar (database versions not stated): gnomAD exomes below 0.00001.
gnomAD v4.1: 1 of 1,613,080 alleles (0.000062%); highest among the groups gnomAD compares: African/African-American, 0.0013%; no homozygotes.

Submissions (9):

Women's Health and Genetics/Laboratory Corporation of America, LabCorp
Classification: Pathogenic for Cardiomyopathy. Last evaluated: 2026-04-13. Review status: criteria provided, single submitter. Criteria: LabCorp Variant Classification Summary - May 2015. Collection method: clinical testing. Allele origin: germline.
Comment: Variant summary: MYBPC3 c.1351+2T>C is located in a canonical splice-site and is predicted to affect mRNA splicing resulting in a significantly altered protein due to either exon skipping, shortening, or inclusion of intronic material. Variants that disrupt the consensus splice site are a relatively common cause of aberrant splicing and loss of MYBPC3 function. Several computational tools predict a significant impact on normal splicing: Three predict the variant abolishes a canonical 5' splicing donor site and one predicts the variant weakens the 5' donor site. At least one publication reports experimental evidence that this variant affects mRNA splicing (Vitale_2020). The variant was absent in 247588 control chromosomes. c.1351+2T>C has been observed in individuals affected with Hypertrophic Cardiomyopathy (e.g. Alfares_2015, Chumakova_2023, Jaouadi_2024, Vodnjov_2025). These data indicate that the variant is likely to be associated with disease. The following publications have been ascertained in the context of this evaluation (PMID: 25611685, 38002985, 39554508, 32710830, 39160446). ClinVar contains an entry for this variant (Variation ID: 42525). Based on the evidence outlined above, the variant was classified as pathogenic.

Labcorp Genetics (formerly Invitae), Labcorp
Classification: Pathogenic for Hypertrophic cardiomyopathy. Last evaluated: 2025-01-08. Review status: criteria provided, single submitter. Criteria: Invitae Variant Classification Sherloc (09022015). Collection method: clinical testing. Allele origin: germline.
Comment: This sequence change affects a donor splice site in intron 15 of the MYBPC3 gene. It is expected to disrupt RNA splicing. Variants that disrupt the donor or acceptor splice site typically lead to a loss of protein function (PMID: 16199547), and loss-of-function variants in MYBPC3 are known to be pathogenic (PMID: 19574547). This variant is not present in population databases (gnomAD no frequency). Disruption of this splice site has been observed in individuals with hypertrophic cardiomyopathy (PMID: 25611685, 27532257, 31308319; internal data). ClinVar contains an entry for this variant (Variation ID: 42525). Algorithms developed to predict the effect of sequence changes on RNA splicing suggest that this variant may disrupt the consensus splice site. For these reasons, this variant has been classified as Pathogenic.

GeneDx
Classification: Pathogenic. Last evaluated: 2024-09-03. Review status: criteria provided, single submitter. Criteria: GeneDx Variant Classification Process June 2021. Collection method: clinical testing. Allele origin: germline. Affected: yes.
Comment: Identified in patients with cardiomyopathy referred for genetic testing at GeneDx and in the published literature; at least one patient also harbored a pathogenic variant in another cardiomyopathy gene (PMID: 25611685, 27532257, 32710830); Not observed at significant frequency in large population cohorts (gnomAD); Canonical splice site variant predicted to result in a null allele in a gene for which loss of function is a known mechanism of disease; This variant is associated with the following publications: (PMID: 25611685, 27532257, 36264615, 37652022, 36243179, 32710830)

Ambry Genetics
Classification: Likely pathogenic for Cardiovascular phenotype. Last evaluated: 2024-08-23. Review status: criteria provided, single submitter. Criteria: Ambry Variant Classification Scheme 2023. Collection method: clinical testing. Allele origin: germline.
Comment: The c.1351+2T>C intronic variant results from a T to C substitution two nucleotides after coding exon 15 in the MYBPC3 gene. This variant has been reported in individuals with features consistent with hypertrophic cardiomyopathy (Walsh R et al. Genet Med, 2017 Feb;19:192-203; Ambry internal data). RNA studies by one group demonstrated that this alteration resulted in abnormal splicing (Vitale G et al. Can J Cardiol, 2020 Sep;36:1554.e1-1554.e3). This variant is considered to be rare based on population cohorts in the Genome Aggregation Database (gnomAD). This nucleotide position is highly conserved in available vertebrate species. In silico splice site analysis predicts that this alteration will weaken the native splice donor site and may result in the creation or strengthening of a novel splice donor site. Alterations that disrupt the canonical splice site are expected to cause aberrant splicing, resulting in an abnormal protein or a transcript that is subject to nonsense-mediated mRNA decay. Based on the majority of available evidence to date, this variant is likely to be pathogenic.

Fulgent Genetics
Classification: Likely pathogenic for Hypertrophic cardiomyopathy 4; Left ventricular noncompaction 10. Last evaluated: 2021-11-02. Review status: criteria provided, single submitter. Criteria: ACMG Guidelines, 2015. Collection method: clinical testing. Allele origin: unknown.

HudsonAlpha Institute for Biotechnology
Classification: Pathogenic for Hypertrophic cardiomyopathy 4. Last evaluated: 2018-05-08. Review status: criteria provided, single submitter. Criteria: ACMG Guidelines, 2015. Collection method: research. Allele origin: unknown. Observed: 1 variant allele. Study: AGHI-GT-HudsonAlpha.

Blueprint Genetics
Classification: Pathogenic for MYBPC3-related disorders. Last evaluated: 2017-07-04. Review status: criteria provided, single submitter. Criteria: ACMG Guidelines, 2015. Collection method: clinical testing. Allele origin: germline. Affected: yes. Observed: 1 variant allele.

Laboratory for Molecular Medicine, Mass General Brigham Personalized Medicine
Classification: Pathogenic for Hypertrophic cardiomyopathy. Last evaluated: 2011-03-10. Review status: criteria provided, single submitter. Criteria: LMM Criteria. Collection method: clinical testing. Allele origin: germline. Observed: 1 variant allele.
Comment: The 1351+2T>C variant has not been reported in the literature. However, it is pr edicted to cause abnormal splicing because the nucleotide substitution occurs in the highly conserved splice consensus sequence. Loss of function of the MYBPC3 gene is an established disease mechanism in HCM patients and splice site variant s can lead to loss of function by generating less or completely absent protein. Therefore, this variant is highly likely to be causative of HCM.

Zaffran Lab, Genetics of Cardiac Diseases Laboratory, Marseille Medical Genetics
Classification: Likely pathogenic for hypertrophic cardiomyopathy. Review status: no assertion criteria provided. Collection method: research. Allele origin: unknown. Affected: yes. Not counted in ClinVar's aggregate classification.

Literature cited by the submitters: PubMed 25611685 (cited by Women's Health and Genetics/Laboratory Corporation of America, LabCorp and Labcorp Genetics (formerly Invitae), Labcorp); PubMed 38002985 (cited by Women's Health and Genetics/Laboratory Corporation of America, LabCorp); PubMed 39554508 (cited by Women's Health and Genetics/Laboratory Corporation of America, LabCorp); PubMed 32710830 (cited by Women's Health and Genetics/Laboratory Corporation of America, LabCorp and Ambry Genetics); PubMed 39160446 (cited by Women's Health and Genetics/Laboratory Corporation of America, LabCorp); PubMed 16199547 (cited by Labcorp Genetics (formerly Invitae), Labcorp); PubMed 19574547 (cited by Labcorp Genetics (formerly Invitae), Labcorp); PubMed 27532257 (cited by Labcorp Genetics (formerly Invitae), Labcorp and Ambry Genetics); PubMed 31308319 (cited by Labcorp Genetics (formerly Invitae), Labcorp).

NM_000256.3(MYBPC3):c.1351+2T>C

Gene: MYBPC3 (myosin binding protein C3; minus strand). Cytogenetic location: 11p11.2.
Variant type: single nucleotide variant.
Coding change: c.1351+2T>C on transcript NM_000256.3 (MANE Select); the canonical splice donor site of the intron after coding-DNA position 1351, T replaced by C.
Molecular consequence: splice donor variant.
Genome position (GRCh38, 1-based): chr11:47,343,019, A>G on the plus strand (T>C on the coding strand, the complement: MYBPC3 is on the minus strand). VCF-style: chr11-47343019-A-G. GRCh37 (hg19) VCF-style: chr11-47364570-A-G.
Identifiers: ClinVar variation 42525 (VCV000042525.18), dbSNP rs397515897, ClinGen allele CA010144.